The following is an entry in ClinVar:

ClinVar aggregate classification (germline): Pathogenic (1 of 4 stars; one submission).

Submission:

Labcorp Genetics (formerly Invitae), Labcorp
Classification: Pathogenic. Last evaluated: 2025-10-20. Review status: criteria provided, single submitter. Criteria: Invitae Variant Classification Sherloc (09022015). Collection method: clinical testing. Allele origin: germline.
Comment: This sequence change creates a premature translational stop signal (p.Lys389Asnfs*14) in the DNAJC21 gene. It is expected to result in an absent or disrupted protein product. Loss-of-function variants in DNAJC21 are known to be pathogenic (PMID: 27346687, 28062395). This variant is present in population databases (rs764382519, gnomAD 0.002%). This variant has not been reported in the literature in individuals affected with DNAJC21-related conditions. ClinVar contains an entry for this variant (Variation ID: 1416298). For these reasons, this variant has been classified as Pathogenic.

Literature cited by the submitters: PubMed 27346687; PubMed 28062395.

NM_001012339.3(DNAJC21):c.1167_1170del (p.Lys389fs)

Gene: DNAJC21 (DnaJ heat shock protein family (Hsp40) member C21; plus strand). Cytogenetic location: 5p13.2.
Variant type: Deletion.
Coding change: c.1167_1170del on transcript NM_001012339.3 (MANE Select); coding-DNA positions 1167 to 1170, 4 bases deleted (GAAA; older notation c.1167_1170delGAAA).
Protein change: p.Lys389fs; shifts the reading frame from lysine 389.
Molecular consequence: frameshift variant.
Genome position (GRCh38, 1-based): chr5:34,945,785-34,945,788, GAAA deleted; deleting any 4 consecutive bases within chr5:34,945,782-34,945,788 gives the same sequence; the c. name uses the placement nearest the transcript's 3' end. VCF-style (leftmost placement, unchanged base first): chr5-34945781-AAAAG-A. GRCh37 (hg19) VCF-style: chr5-34945886-AAAAG-A.
Other names: c.1206_1209del, p.Lys402fs (NM_001348420.2); c.1167_1170del, p.Lys389fs (NM_194283.4); short protein forms K389fs, K402fs.
Identifiers: ClinVar variation 1416298 (VCV001416298.6), dbSNP rs764382519, ClinGen allele CA3228735.
Genomic context (GRCh38, chr5:34,945,781, plus strand): 5'-GAGTCAAGTATTTGACATTTCGATTTATATTTGCTCTTAGGCTTTCTAAAAAACAGAAGA[AAAAG>A]AAACAGAAACCAGCACAGGTATGTTAGAAAGGTTTTGTTAACATTAAATGCCAACGATAA-3'